The following is an entry in ClinVar:

NM_001854.4(COL11A1):c.4303-312T>C

Gene: COL11A1 (collagen type XI alpha 1 chain; minus strand). Cytogenetic location: 1p21.1.
Variant type: single nucleotide variant.
Coding change: c.4303-312T>C on transcript NM_001854.4 (MANE Select); 312 bases into the intron before coding-DNA position 4303, T replaced by C.
Molecular consequence: intron variant.
Genome position (GRCh38, 1-based): chr1:102,890,816, A>G on the plus strand (T>C on the coding strand, the complement: COL11A1 is on the minus strand). VCF-style: chr1-102890816-A-G. GRCh37 (hg19) VCF-style: chr1-103356372-A-G.
Other names: c.4186-312T>C (NM_001190709.2); c.4339-312T>C (NM_080629.3); c.3955-312T>C (NM_080630.4).
Identifiers: ClinVar variation 668556 (VCV000668556.1), dbSNP rs182493920, ClinGen allele CA28151928.

ClinVar aggregate classification (germline): Likely benign (1 of 4 stars; one submission).

Allele frequency attached by ClinVar (database versions not stated): 1000 Genomes Project 0.00399; 1000 Genomes Project 30x 0.00406; TOPMed 0.01005; gnomAD 0.01161 and 0.01186.
gnomAD v4.1: 1,753 of 152,228 alleles (1.2%); highest among the groups gnomAD compares: Non-Finnish European, 1.9%; 14 homozygotes.

Submission:

GeneDx
Classification: Likely benign. Last evaluated: 2018-06-16. Review status: criteria provided, single submitter. Criteria: GeneDx Variant Classification (06012015). Collection method: clinical testing. Allele origin: germline. Affected: yes.
Comment: This variant is considered likely benign or benign based on one or more of the following criteria: it is a conservative change, it occurs at a poorly conserved position in the protein, it is predicted to be benign by multiple in silico algorithms, and/or has population frequency not consistent with disease.